The following is an entry in ClinVar:

ClinVar aggregate classification (germline): Uncertain significance (1 of 4 stars; one submission).

Conditions:
Primary ciliary dyskinesia. Also called: Ciliary dyskinesia. Identifiers: Orphanet 244, MedGen C0008780, MONDO:0016575, HP:0012265.

gnomAD v4.1: 1 of 1,199,421 alleles (0.000083%); highest among the groups gnomAD compares: Admixed American, 0.0022%; no homozygotes.

Submission:

Labcorp Genetics (formerly Invitae), Labcorp
Classification: Uncertain significance for Primary ciliary dyskinesia. Last evaluated: 2026-01-28. Review status: criteria provided, single submitter. Criteria: Invitae Variant Classification Sherloc (09022015). Collection method: clinical testing. Allele origin: germline.
Comment: This sequence change replaces glutamic acid, which is acidic and polar, with lysine, which is basic and polar, at codon 416 of the RPGR protein (p.Glu416Lys). The frequency data for this variant in the population databases is considered unreliable, as metrics indicate poor data quality at this position in the gnomAD database. This variant has not been reported in the literature in individuals affected with RPGR-related conditions. An algorithm developed to predict the effect of missense changes on protein structure and function (PolyPhen-2) suggests that this variant is likely to be disruptive. Algorithms developed to predict the effect of sequence changes on RNA splicing suggest that this variant may disrupt the consensus splice site. In summary, the available evidence is currently insufficient to determine the role of this variant in disease. Therefore, it has been classified as a Variant of Uncertain Significance.

NM_001034853.2(RPGR):c.1246G>A (p.Glu416Lys)

Gene: RPGR (retinitis pigmentosa GTPase regulator; minus strand). Cytogenetic location: Xp11.4.
Variant type: single nucleotide variant.
Coding change: c.1246G>A on transcript NM_001034853.2 (MANE Select); coding-DNA position 1246, G replaced by A.
Protein change: p.Glu416Lys; replaces glutamic acid 416 with lysine.
Molecular consequence: missense variant. On other transcripts: non-coding transcript variant (6).
Genome position (GRCh38, 1-based): chrX:38,297,452, C>T on the plus strand (G>A on the coding strand, the complement: RPGR is on the minus strand). VCF-style: chrX-38297452-C-T. GRCh37 (hg19) VCF-style: chrX-38156705-C-T.
Other names: c.1060G>A, p.Glu354Lys (NM_001367251.1, NM_001367246.1); c.1246G>A, p.Glu416Lys (NM_000328.3, NM_001367247.1); c.1243G>A, p.Glu415Lys (NM_001367245.1, NM_001367249.1, NM_001367250.1); c.1276G>A, p.Glu426Lys (NM_001367248.1); short protein forms E354K, E415K, E416K, E426K.
Identifiers: ClinVar variation 4798138 (VCV004798138.1).